The following is an entry in ClinVar:

ClinVar aggregate classification (germline): Uncertain significance (1 of 4 stars; one submission).

Conditions:
Hereditary cancer-predisposing syndrome. Also called: Neoplastic Syndromes, Hereditary; Tumor predisposition; Hereditary Cancer Syndrome; Hereditary neoplastic syndrome. Identifiers: Orphanet 140162, MedGen C0027672, MeSH D009386, MONDO:0015356.

Submission:

Ambry Genetics
Classification: Uncertain significance for Hereditary cancer-predisposing syndrome. Last evaluated: 2026-03-04. Review status: criteria provided, single submitter. Criteria: Ambry Variant Classification Scheme 2023. Collection method: clinical testing. Allele origin: germline.
Comment: The p.D118A variant (also known as c.353A>C), located in coding exon 4 of the MITF gene, results from an A to C substitution at nucleotide position 353. The aspartic acid at codon 118 is replaced by alanine, an amino acid with dissimilar properties. This amino acid position is conserved. In addition, the in silico prediction for this alteration is inconclusive. Based on the available evidence, the clinical significance of this variant remains unclear.

NM_001354604.2(MITF):c.674A>C (p.Asp225Ala)

Gene: MITF (melanocyte inducing transcription factor; plus strand). Cytogenetic location: 3p13.
Variant type: single nucleotide variant.
Coding change: c.674A>C on transcript NM_001354604.2 (MANE Select); coding-DNA position 674, A replaced by C.
Protein change: p.Asp225Ala; replaces aspartic acid 225 with alanine.
Molecular consequence: missense variant.
Genome position (GRCh38, 1-based): chr3:69,941,243, A>C. VCF-style: chr3-69941243-A-C. GRCh37 (hg19) VCF-style: chr3-69990394-A-C.
Other names: c.353A>C, p.Asp118Ala (NM_000248.4, NM_198158.3); c.518A>C, p.Asp173Ala (NM_001184967.2, NM_001354608.2); c.671A>C, p.Asp224Ala (NM_001354605.2, NM_001354606.2, NM_006722.3); c.623A>C, p.Asp208Ala (NM_001354607.2); c.674A>C, p.Asp225Ala (NM_198159.3); c.626A>C, p.Asp209Ala (NM_198177.3); c.185A>C, p.Asp62Ala (NM_198178.3); short protein forms D225A, D118A, D208A, D62A, D173A, D209A, D224A.
Identifiers: ClinVar variation 4825808 (VCV004825808.1).